The following is an entry in ClinVar:

NM_001127198.5(TMC6):c.265A>G (p.Thr89Ala)

Gene: TMC6 (transmembrane channel like 6; minus strand). Cytogenetic location: 17q25.3.
Variant type: single nucleotide variant.
Coding change: c.265A>G on transcript NM_001127198.5 (MANE Select); coding-DNA position 265, A replaced by G.
Protein change: p.Thr89Ala; replaces threonine 89 with alanine.
Molecular consequence: missense variant. On other transcripts: non-coding transcript variant (4).
Genome position (GRCh38, 1-based): chr17:78,126,283, T>C on the plus strand (A>G on the coding strand, the complement: TMC6 is on the minus strand). VCF-style: chr17-78126283-T-C. GRCh37 (hg19) VCF-style: chr17-76122364-T-C.
Other names: c.265A>G, p.Thr89Ala (NM_001321185.1, NM_001374593.1, NM_001374594.1 and 4 more transcripts); short protein forms T89A.
Identifiers: ClinVar variation 1397146 (VCV001397146.8), dbSNP rs751985955, ClinGen allele CA8796206.

ClinVar aggregate classification (germline): Uncertain significance (1 of 4 stars; one submission).

Conditions:
Epidermodysplasia verruciformis. Identifiers: Orphanet 302, MedGen C0014522, MONDO:0009176.

gnomAD v4.1: 1 of 1,558,622 alleles (0.000064%); highest among the groups gnomAD compares: South Asian, 0.0012%; no homozygotes.

Submission:

Labcorp Genetics (formerly Invitae), Labcorp
Classification: Uncertain significance for Epidermodysplasia verruciformis. Last evaluated: 2022-07-19. Review status: criteria provided, single submitter. Criteria: Invitae Variant Classification Sherloc (09022015). Collection method: clinical testing. Allele origin: germline.
Comment: In summary, the available evidence is currently insufficient to determine the role of this variant in disease. Therefore, it has been classified as a Variant of Uncertain Significance. Algorithms developed to predict the effect of missense changes on protein structure and function are either unavailable or do not agree on the potential impact of this missense change (SIFT: "Not Available"; PolyPhen-2: "Probably Damaging"; Align-GVGD: "Not Available"). ClinVar contains an entry for this variant (Variation ID: 1397146). This variant has not been reported in the literature in individuals affected with TMC6-related conditions. The frequency data for this variant in the population databases is considered unreliable, as metrics indicate poor data quality at this position in the gnomAD database. This sequence change replaces threonine, which is neutral and polar, with alanine, which is neutral and non-polar, at codon 89 of the TMC6 protein (p.Thr89Ala).